The following is an entry in ClinVar:

NM_004370.6(COL12A1):c.5800A>G (p.Arg1934Gly)

Gene: COL12A1 (collagen type XII alpha 1 chain; minus strand). Cytogenetic location: 6q13.
Variant type: single nucleotide variant.
Coding change: c.5800A>G on transcript NM_004370.6 (MANE Select); coding-DNA position 5800, A replaced by G.
Protein change: p.Arg1934Gly; replaces arginine 1934 with glycine.
Molecular consequence: missense variant.
Genome position (GRCh38, 1-based): chr6:75,132,077, T>C on the plus strand (A>G on the coding strand, the complement: COL12A1 is on the minus strand). VCF-style: chr6-75132077-T-C. GRCh37 (hg19) VCF-style: chr6-75841793-T-C.
Other names: c.2308A>G, p.Arg770Gly (NM_080645.3); short protein forms R1934G, R770G.
Identifiers: ClinVar variation 1064166 (VCV001064166.13), dbSNP rs1474687066, ClinGen allele CA364733200.

ClinVar aggregate classification (germline): Uncertain significance. Review status: criteria provided, multiple submitters, no conflicts (2 of 4 stars). 2 submissions from 2 submitters: Uncertain significance (2). Last evaluated 2024-10-02.

Conditions:
Ullrich congenital muscular dystrophy 2 (UCMD2). Identifiers: Orphanet 75840, MedGen C4225314, MONDO:0014654, OMIM 616470.
Bethlem myopathy 2 (BTHLM2). Identifiers: Orphanet 536516, Orphanet 610, MedGen C4225313, MONDO:0034022, OMIM 616471.

Allele frequency attached by ClinVar (database versions not stated): gnomAD exomes below 0.00001; TOPMed below 0.00001; gnomAD 0.00001.
gnomAD v4.1: 3 of 1,613,742 alleles (0.00019%); highest among the groups gnomAD compares: Non-Finnish European, 0.00025%; no homozygotes.

Submissions (2):

Labcorp Genetics (formerly Invitae), Labcorp
Classification: Uncertain significance for Bethlem myopathy 2; Ullrich congenital muscular dystrophy 2. Last evaluated: 2024-10-02. Review status: criteria provided, single submitter. Criteria: Invitae Variant Classification Sherloc (09022015). Collection method: clinical testing. Allele origin: germline.
Comment: This sequence change replaces arginine, which is basic and polar, with glycine, which is neutral and non-polar, at codon 1934 of the COL12A1 protein (p.Arg1934Gly). This variant is not present in population databases (gnomAD no frequency). This variant has not been reported in the literature in individuals affected with COL12A1-related conditions. ClinVar contains an entry for this variant (Variation ID: 1064166). Invitae Evidence Modeling of protein sequence and biophysical properties (such as structural, functional, and spatial information, amino acid conservation, physicochemical variation, residue mobility, and thermodynamic stability) indicates that this missense variant is expected to disrupt COL12A1 protein function with a positive predictive value of 80%. In summary, the available evidence is currently insufficient to determine the role of this variant in disease. Therefore, it has been classified as a Variant of Uncertain Significance.

GeneDx
Classification: Uncertain significance. Last evaluated: 2019-12-27. Review status: criteria provided, single submitter. Criteria: GeneDx Variant Classification Process June 2021. Collection method: clinical testing. Allele origin: germline. Affected: yes.
Comment: Has not been previously published as pathogenic or benign to our knowledge; Not observed in large population cohorts (Lek et al., 2016); In silico analysis, which includes protein predictors and evolutionary conservation, supports that this variant does not alter protein structure/function